The following is an entry in ClinVar:

NM_032043.3(BRIP1):c.3117G>A (p.Glu1039=)

Gene: BRIP1 (BRCA1 interacting DNA helicase 1; minus strand). Cytogenetic location: 17q23.2.
Variant type: single nucleotide variant.
Coding change: c.3117G>A on transcript NM_032043.3 (MANE Select); coding-DNA position 3117, G replaced by A.
Protein change: p.Glu1039=; no amino-acid change (glutamic acid 1039 retained).
Molecular consequence: synonymous variant.
Genome position (GRCh38, 1-based): chr17:61,683,929, C>T on the plus strand (G>A on the coding strand, the complement: BRIP1 is on the minus strand). VCF-style: chr17-61683929-C-T. GRCh37 (hg19) VCF-style: chr17-59761290-C-T.
Identifiers: ClinVar variation 219802 (VCV000219802.22), dbSNP rs769310105, ClinGen allele CA348565.

ClinVar aggregate classification (germline): Benign/Likely benign. Review status: criteria provided, multiple submitters, no conflicts (2 of 4 stars). 5 submissions from 5 submitters: Benign (1); Likely benign (4). Last evaluated 2025-10-01.

Conditions:
Hereditary cancer-predisposing syndrome. Also called: Tumor predisposition; Hereditary neoplastic syndrome; Neoplastic Syndromes, Hereditary; Hereditary Cancer Syndrome. Identifiers: Orphanet 140162, MedGen C0027672, MeSH D009386, MONDO:0015356.
Fanconi anemia complementation group J. Also called: BRIP1-Related Fanconi Anemia. Identifiers: Orphanet 84, MedGen C1836860, MONDO:0012187, OMIM 609054.
Familial cancer of breast. Also called: hereditary breast carcinoma; Hereditary breast cancer; BREAST CANCER, FAMILIAL. Identifiers: Orphanet 227535, MedGen C0346153, MONDO:0016419, OMIM 114480. Disease mechanism: loss of function.

Allele frequency attached by ClinVar (database versions not stated): gnomAD exomes below 0.00001 and 0.00001; ExAC 0.00001.
gnomAD v4.1: 14 of 1,614,162 alleles (0.00087%); highest among the groups gnomAD compares: Non-Finnish European, 0.0012%; no homozygotes.

Submissions (5):

Labcorp Genetics (formerly Invitae), Labcorp
Classification: Likely benign for Familial cancer of breast; Fanconi anemia complementation group J. Last evaluated: 2025-10-01. Review status: criteria provided, single submitter. Criteria: Invitae Variant Classification Sherloc (09022015). Collection method: clinical testing. Allele origin: germline.

Myriad Genetics, Inc.
Classification: Benign for Familial cancer of breast. Last evaluated: 2024-09-09. Review status: criteria provided, single submitter. Criteria: Myriad Autosomal Dominant, Autosomal Recessive and X-Linked Classification Criteria (2023). Collection method: clinical testing. Allele origin: unknown.
Comment: This variant is considered benign. This variant is a silent/synonymous amino acid change and it is not expected to impact splicing.

Quest Diagnostics Nichols Institute San Juan Capistrano
Classification: Likely benign. Last evaluated: 2021-05-21. Review status: criteria provided, single submitter. Criteria: Quest Diagnostics criteria. Collection method: clinical testing. Allele origin: unknown.

Color Diagnostics, LLC DBA Color Health
Classification: Likely benign for Hereditary cancer-predisposing syndrome. Last evaluated: 2018-09-25. Review status: criteria provided, single submitter. Criteria: ACMG Guidelines, 2015. Collection method: clinical testing. Allele origin: germline.

Ambry Genetics
Classification: Likely benign for Hereditary cancer-predisposing syndrome. Last evaluated: 2015-05-17. Review status: criteria provided, single submitter. Criteria: Ambry Variant Classification Scheme 2023. Collection method: clinical testing. Allele origin: germline.